The following is an entry in ClinVar:

ClinVar aggregate classification (germline): Uncertain significance (1 of 4 stars; one submission).

Conditions:
Atrial fibrillation, familial, 14 (ATFB14). Identifiers: MedGen C3809312, MONDO:0014156, OMIM 615378.

gnomAD v4.1: 5 of 1,614,058 alleles (0.00031%); highest among the groups gnomAD compares: Non-Finnish European, 0.00034%; no homozygotes.

Submission:

Labcorp Genetics (formerly Invitae), Labcorp
Classification: Uncertain significance for Atrial fibrillation, familial, 14. Last evaluated: 2023-12-12. Review status: criteria provided, single submitter. Criteria: Invitae Variant Classification Sherloc (09022015). Collection method: clinical testing. Allele origin: germline.
Comment: This sequence change replaces arginine, which is basic and polar, with cysteine, which is neutral and slightly polar, at codon 9 of the SCN2B protein (p.Arg9Cys). This variant is not present in population databases (gnomAD no frequency). This variant has not been reported in the literature in individuals affected with SCN2B-related conditions. ClinVar contains an entry for this variant (Variation ID: 239958). An algorithm developed to predict the effect of missense changes on protein structure and function (PolyPhen-2) suggests that this variant is likely to be tolerated. In summary, the available evidence is currently insufficient to determine the role of this variant in disease. Therefore, it has been classified as a Variant of Uncertain Significance.

NM_004588.5(SCN2B):c.25C>T (p.Arg9Cys)

Gene: SCN2B (sodium voltage-gated channel beta subunit 2; minus strand). Cytogenetic location: 11q23.3.
Variant type: single nucleotide variant.
Coding change: c.25C>T on transcript NM_004588.5 (MANE Select); coding-DNA position 25, C replaced by T.
Protein change: p.Arg9Cys; replaces arginine 9 with cysteine.
Molecular consequence: missense variant.
Genome position (GRCh38, 1-based): chr11:118,176,407, G>A on the plus strand (C>T on the coding strand, the complement: SCN2B is on the minus strand). VCF-style: chr11-118176407-G-A. GRCh37 (hg19) VCF-style: chr11-118047122-G-A.
Other names: short protein forms R9C.
Identifiers: ClinVar variation 239958 (VCV000239958.8), dbSNP rs878854711, ClinGen allele CA10582876.